The following is an entry in ClinVar:

ClinVar aggregate classification (germline): Likely benign. Review status: criteria provided, multiple submitters, no conflicts (2 of 4 stars). 5 submissions from 5 submitters: Likely benign (4). 1 of the submissions does not count toward it. Last evaluated 2025-10-26.

Conditions:
BEST1-related disorder. Also called: BEST1-related condition; BEST1-related disorders. Identifiers: MedGen CN239200.
Retinal dystrophy. Also called: Inherited retinal dystrophy. Identifiers: Orphanet 71862, MedGen C0854723, MeSH D058499, MONDO:0019118, HP:0000556.

Allele frequency attached by ClinVar (database versions not stated): TOPMed 0.00010; ExAC 0.00011; gnomAD 0.00011 and 0.00012; gnomAD exomes 0.00018 and 0.00022.

Submissions (5):

Labcorp Genetics (formerly Invitae), Labcorp
Classification: Likely benign. Last evaluated: 2025-10-26. Review status: criteria provided, single submitter. Criteria: Invitae Variant Classification Sherloc (09022015). Collection method: clinical testing. Allele origin: germline.

PreventionGenetics, part of Exact Sciences
Classification: Likely benign for BEST1-related condition. Last evaluated: 2025-05-06. Review status: criteria provided, single submitter. Criteria: ACMG Guidelines, 2015. Collection method: clinical testing. Allele origin: germline.
Comment: This variant is classified as likely benign based on ACMG/AMP sequence variant interpretation guidelines (Richards et al. 2015 PMID: 25741868, with internal and published modifications).

Blueprint Genetics
Classification: Likely benign. Last evaluated: 2024-05-08. Review status: criteria provided, single submitter. Criteria: ACMG Guidelines, 2015. Collection method: clinical testing. Allele origin: germline.

CeGaT Center for Human Genetics Tuebingen
Classification: Likely benign. Last evaluated: 2019-10-01. Review status: criteria provided, single submitter. Criteria: CeGaT Center For Human Genetics Tuebingen Variant Classification Criteria Version 2. Collection method: clinical testing. Allele origin: germline. Affected: yes. Observed: 2 variant alleles.

Institute of Human Genetics, Univ. Regensburg, Univ. Regensburg
Classification: Likely benign for Retinal dystrophy. Last evaluated: 2021-01-01. Review status: no assertion criteria provided. Criteria: ACMG Guidelines, 2015. Collection method: clinical testing. Allele origin: germline. Affected: yes. Not counted in ClinVar's aggregate classification.

NM_004183.4(BEST1):c.1215G>A (p.Arg405=)

Gene: BEST1 (bestrophin 1; plus strand). Cytogenetic location: 11q12.3.
Variant type: single nucleotide variant.
Coding change: c.1215G>A on transcript NM_004183.4 (MANE Select); coding-DNA position 1215, G replaced by A.
Protein change: p.Arg405=; no amino-acid change (arginine 405 retained).
Molecular consequence: synonymous variant. On other transcripts: non-coding transcript variant (1).
Genome position (GRCh38, 1-based): chr11:61,962,369, G>A. VCF-style: chr11-61962369-G-A. GRCh37 (hg19) VCF-style: chr11-61729841-G-A.
Other names: c.1215G>A (NM_004183.3); c.*110G>A (NM_001363592.2); c.243G>A, p.Arg81= (NM_001363593.3); c.1035G>A, p.Arg345= (NM_001139443.3, NM_001300787.2); c.954G>A, p.Arg318= (NM_001300786.2); c.897G>A, p.Arg299= (NM_001363591.3).
Identifiers: ClinVar variation 806681 (VCV000806681.51), dbSNP rs751740475, ClinGen allele CA6041024.
Genomic context (GRCh38, chr11:61,962,369, plus strand): 5'-TCACGCTGGCATCATTGGCCGCTTCCTAGGCCTGCAGTCCCATGATCACCATCCTCCCAG[G>A]GCAAACTCAAGGACCAAACTACTGTGGCCCAAGAGGGAATCCCTTCTCCACGAGGGCCTG-3'
Protein context (NP_004174.1, residues 395-415): GLQSHDHHPP[Arg405=]ANSRTKLLWP